The following is an entry in ClinVar:

ClinVar aggregate classification (germline): Pathogenic (1 of 4 stars; one submission).

Submission:

Labcorp Genetics (formerly Invitae), Labcorp
Classification: Pathogenic. Last evaluated: 2020-08-21. Review status: criteria provided, single submitter. Criteria: Invitae Variant Classification Sherloc (09022015). Collection method: clinical testing. Allele origin: germline.
Comment: This sequence change creates a premature translational stop signal (p.Lys184Asnfs*37) in the PHEX gene. It is expected to result in an absent or disrupted protein product. This variant is not present in population databases (ExAC no frequency). This variant has not been reported in the literature in individuals with PHEX-related conditions. Loss-of-function variants in PHEX are known to be pathogenic (PMID: 9097956, 9106524, 19219621). For these reasons, this variant has been classified as Pathogenic.

Literature cited by the submitters: PubMed 9097956; PubMed 9106524; PubMed 19219621.

NM_000444.6(PHEX):c.552del (p.Lys184fs)

Gene: PHEX (phosphate regulating endopeptidase X-linked; plus strand). Cytogenetic location: Xp22.11.
Variant type: Deletion.
Coding change: c.552del on transcript NM_000444.6 (MANE Select); coding-DNA position 552, one base deleted (G; older notation c.552delG).
Protein change: p.Lys184fs; shifts the reading frame from lysine 184.
Molecular consequence: frameshift variant.
Genome position (GRCh38, 1-based): chrX:22,077,591, G deleted. VCF-style (leftmost placement, unchanged base first): chrX-22077590-AG-A. GRCh37 (hg19) VCF-style: chrX-22095708-AG-A.
Other names: c.552del, p.Lys184fs (NM_001282754.2); short protein forms K184fs.
Identifiers: ClinVar variation 1068962 (VCV001068962.9), dbSNP rs2147020659, ClinGen allele CA2499226566.